The following is an entry in ClinVar:

ClinVar aggregate classification (germline): Uncertain significance. Review status: criteria provided, multiple submitters, no conflicts (2 of 4 stars). 4 submissions from 4 submitters: Uncertain significance (4). Last evaluated 2025-02-19.

Conditions:
Autosomal recessive nonsyndromic hearing loss 63. Identifiers: Orphanet 90636, MedGen C1969621, MONDO:0012670, OMIM 611451.

Allele frequency attached by ClinVar (database versions not stated): gnomAD 0.00001; gnomAD exomes 0.00002; TOPMed 0.00002; ExAC 0.00010.
gnomAD v4.1: 24 of 1,550,898 alleles (0.0015%); highest among the groups gnomAD compares: East Asian, 0.012%; no homozygotes.

Submissions (4):

Labcorp Genetics (formerly Invitae), Labcorp
Classification: Uncertain significance. Last evaluated: 2025-02-19. Review status: criteria provided, single submitter. Criteria: Invitae Variant Classification Sherloc (09022015). Collection method: clinical testing. Allele origin: germline.
Comment: This sequence change replaces arginine, which is basic and polar, with glutamine, which is neutral and polar, at codon 54 of the LRTOMT protein (p.Arg54Gln). This variant is present in population databases (rs764268350, gnomAD 0.004%). This missense change has been observed in individuals with deafness (PMID: 25788562, 35212774). ClinVar contains an entry for this variant (Variation ID: 1333694). An algorithm developed to predict the effect of missense changes on protein structure and function (PolyPhen-2) suggests that this variant is likely to be disruptive. Algorithms developed to predict the effect of sequence changes on RNA splicing suggest that this variant may create or strengthen a splice site. In summary, the available evidence is currently insufficient to determine the role of this variant in disease. Therefore, it has been classified as a Variant of Uncertain Significance.

GeneDx
Classification: Uncertain significance. Last evaluated: 2024-06-18. Review status: criteria provided, single submitter. Criteria: GeneDx Variant Classification Process June 2021. Collection method: clinical testing. Allele origin: germline. Affected: yes.
Comment: In silico analysis suggests this variant may impact gene splicing. In the absence of RNA/functional studies, the actual effect of this sequence change is unknown.; In silico analysis indicates that this missense variant does not alter protein structure/function; This variant is associated with the following publications: (PMID: 34426522, 35212774, 25788562)

3billion
Classification: Uncertain significance for Autosomal recessive nonsyndromic hearing loss 63. Last evaluated: 2022-01-03. Review status: criteria provided, single submitter. Criteria: ACMG Guidelines, 2015. Collection method: clinical testing. Allele origin: germline. Affected: yes. Observed: 1 heterozygote.
Comment: The variant is observed at an extremely low frequency in the gnomAD v2.1.1 dataset (total allele frequency: 0.000019, PM2_M). Therefore, this variant is classified as uncertain significance according to the recommendation of ACMG/AMP guideline.

Fulgent Genetics
Classification: Uncertain significance for Autosomal recessive nonsyndromic hearing loss 63. Last evaluated: 2021-08-12. Review status: criteria provided, single submitter. Criteria: ACMG Guidelines, 2015. Collection method: clinical testing. Allele origin: unknown.

Literature cited by the submitters: PubMed 25788562 (cited by Labcorp Genetics (formerly Invitae), Labcorp); PubMed 35212774 (cited by Labcorp Genetics (formerly Invitae), Labcorp).

NM_001145308.5(LRTOMT):c.161G>A (p.Arg54Gln)

Genes: LRTOMT (leucine rich transmembrane and O-methyltransferase domain containing; plus strand), TOMT (transmembrane O-methyltransferase; plus strand). Cytogenetic location: 11q13.4.
Variant type: single nucleotide variant.
Coding change: c.161G>A on transcript NM_001145308.5; coding-DNA position 161, G replaced by A.
Protein change: p.Arg54Gln; replaces arginine 54 with glutamine.
Molecular consequence: missense variant. On other transcripts: intron variant (1).
Genome position (GRCh38, 1-based): chr11:72,106,013, G>A. VCF-style: chr11-72106013-G-A. GRCh37 (hg19) VCF-style: chr11-71817059-G-A.
Other names: c.62G>A, p.Arg21Gln (NM_001393500.2); c.161G>A, p.Arg54Gln (NM_001145309.4); c.84-43G>A (NM_001145310.4); short protein forms R21Q, R54Q.
Identifiers: ClinVar variation 1333694 (VCV001333694.10), dbSNP rs764268350, ClinGen allele CA6168572.
Genomic context (GRCh38, chr11:72,106,013, plus strand): 5'-TGTCCCCTGCCATTGCATTGGCCTTCCTGCCACTGGTGGTAACATTGCTGGTGCGGTACC[G>A]GCACTACTTCCGATTGCTGGTGCGCACGGTCTTGCTGCGAAGCCTCCGAGACTGCCTGTC-3'